The following is an entry in ClinVar:

ClinVar aggregate classification (germline): Uncertain significance (1 of 4 stars; one submission).

gnomAD v4.1: 4 of 1,613,802 alleles (0.00025%); highest among the groups gnomAD compares: Admixed American, 0.0067%; no homozygotes.

Submission:

Labcorp Genetics (formerly Invitae), Labcorp
Classification: Uncertain significance. Last evaluated: 2023-04-29. Review status: criteria provided, single submitter. Criteria: Invitae Variant Classification Sherloc (09022015). Collection method: clinical testing. Allele origin: germline.
Comment: In summary, the available evidence is currently insufficient to determine the role of this variant in disease. Therefore, it has been classified as a Variant of Uncertain Significance. An algorithm developed to predict the effect of missense changes on protein structure and function (PolyPhen-2) suggests that this variant is likely to be tolerated. This sequence change replaces glutamine, which is neutral and polar, with glutamic acid, which is acidic and polar, at codon 903 of the HYOU1 protein (p.Gln903Glu). This variant is present in population databases (rs782632955, gnomAD 0.009%). This variant has not been reported in the literature in individuals affected with HYOU1-related conditions. ClinVar contains an entry for this variant (Variation ID: 2174296).

NM_006389.5(HYOU1):c.2707C>G (p.Gln903Glu)

Gene: HYOU1 (hypoxia up-regulated 1; minus strand). Cytogenetic location: 11q23.3.
Variant type: single nucleotide variant.
Coding change: c.2707C>G on transcript NM_006389.5 (MANE Select); coding-DNA position 2707, C replaced by G.
Protein change: p.Gln903Glu; replaces glutamine 903 with glutamic acid.
Molecular consequence: missense variant.
Genome position (GRCh38, 1-based): chr11:119,046,691, G>C on the plus strand (C>G on the coding strand, the complement: HYOU1 is on the minus strand). VCF-style: chr11-119046691-G-C. GRCh37 (hg19) VCF-style: chr11-118917403-G-C.
Other names: c.2707C>G, p.Gln903Glu (NM_001130991.3, NM_001411041.1); short protein forms Q903E.
Identifiers: ClinVar variation 2174296 (VCV002174296.4), dbSNP rs782632955, ClinGen allele CA229616990.
Genomic context (GRCh38, chr11:119,046,691, plus strand): 5'-CATTCTTGTCCTTAGGCCGGGGCCGGGGCTTGGTAAACTTGGCCTTATTGAGCAGATACT[G>C]CACCTCTCGGTCCAGGGCCATCATCTTAGCTTCAATGTCTTTTGAGAGCAACACAGGCTT-3'
Protein context (NP_006380.1, residues 893-913): AKMMALDREV[Gln903Glu]YLLNKAKFTK